The following is an entry in ClinVar:

ClinVar aggregate classification (germline): Likely benign. Review status: criteria provided, multiple submitters, no conflicts (2 of 4 stars). 3 submissions from 3 submitters: Likely benign (2). 1 of the submissions does not count toward it. Last evaluated 2025-08-21.

Conditions:
SERPINA1-related disorder. Also called: SERPINA1-related condition; SerpinA1-related disorders.
Alpha-1-antitrypsin deficiency (A1ATD). Also called: AAT deficiency; A1AT deficiency; Alpha1-Antitrypsin Deficiency. Identifiers: Orphanet 60, MedGen C0221757, MONDO:0013282, OMIM 613490.

Allele frequency attached by ClinVar (database versions not stated): gnomAD exomes 0.00002 and 0.00003; TOPMed 0.00002; ExAC 0.00004; gnomAD 0.00004; 1000 Genomes Project 30x 0.00016; 1000 Genomes Project 0.00020.
gnomAD v4.1: 40 of 1,614,104 alleles (0.0025%); highest among the groups gnomAD compares: East Asian, 0.0089%; no homozygotes.

Submissions (3):

Labcorp Genetics (formerly Invitae), Labcorp
Classification: Likely benign for Alpha-1-antitrypsin deficiency. Last evaluated: 2025-08-21. Review status: criteria provided, single submitter. Criteria: Invitae Variant Classification Sherloc (09022015). Collection method: clinical testing. Allele origin: germline.

Blueprint Genetics
Classification: Likely benign. Last evaluated: 2024-11-20. Review status: criteria provided, single submitter. Criteria: ACMG Guidelines, 2015. Collection method: clinical testing. Allele origin: germline.

PreventionGenetics, part of Exact Sciences
Classification: Likely benign for SERPINA1-related condition. Last evaluated: 2021-03-23. Review status: no assertion criteria provided. Collection method: clinical testing. Allele origin: germline. Not counted in ClinVar's aggregate classification.
Comment: This variant is classified as likely benign based on ACMG/AMP sequence variant interpretation guidelines (Richards et al. 2015 PMID: 25741868, with internal and published modifications).

NM_000295.5(SERPINA1):c.918-6C>T

Gene: SERPINA1 (serpin family A member 1; minus strand). Cytogenetic location: 14q32.13.
Variant type: single nucleotide variant.
Coding change: c.918-6C>T on transcript NM_000295.5 (MANE Select); 6 bases into the intron before coding-DNA position 918, C replaced by T.
Molecular consequence: intron variant.
Genome position (GRCh38, 1-based): chr14:94,379,617, G>A on the plus strand (C>T on the coding strand, the complement: SERPINA1 is on the minus strand). VCF-style: chr14-94379617-G-A. GRCh37 (hg19) VCF-style: chr14-94845954-G-A.
Other names: c.918-6C>T (NM_001002235.3, NM_001127707.2, NM_001127706.2 and 8 more transcripts).
Identifiers: ClinVar variation 1106213 (VCV001106213.12), dbSNP rs534650421, ClinGen allele CA7327355.